The following is an entry in ClinVar:

NM_032578.4(MYPN):c.2887A>G (p.Thr963Ala)

Gene: MYPN (myopalladin; plus strand). Cytogenetic location: 10q21.3.
Variant type: single nucleotide variant.
Coding change: c.2887A>G on transcript NM_032578.4 (MANE Select); coding-DNA position 2887, A replaced by G.
Protein change: p.Thr963Ala; replaces threonine 963 with alanine.
Molecular consequence: missense variant. On other transcripts: non-coding transcript variant (2).
Genome position (GRCh38, 1-based): chr10:68,189,088, A>G. VCF-style: chr10-68189088-A-G. GRCh37 (hg19) VCF-style: chr10-69948845-A-G.
Other names: c.2887A>G, p.Thr963Ala (NM_001256267.2); c.2005A>G, p.Thr669Ala (NM_001256268.2); short protein forms T669A, T963A.
Identifiers: ClinVar variation 4116157 (VCV004116157.1).

ClinVar aggregate classification (germline): Uncertain significance (1 of 4 stars; one submission).

Conditions:
Cardiovascular phenotype. Identifiers: MedGen CN230736.

Submission:

Ambry Genetics
Classification: Uncertain significance for Cardiovascular phenotype. Last evaluated: 2025-06-16. Review status: criteria provided, single submitter. Criteria: Ambry Variant Classification Scheme 2023. Collection method: clinical testing. Allele origin: germline.
Comment: The p.T963A variant (also known as c.2887A>G), located in coding exon 12 of the MYPN gene, results from an A to G substitution at nucleotide position 2887. The threonine at codon 963 is replaced by alanine, an amino acid with similar properties. This amino acid position is conserved. In addition, this alteration is predicted to be tolerated by in silico analysis. Based on the available evidence, the clinical significance of this variant remains unclear.